The following is an entry in ClinVar:

ClinVar aggregate classification (germline): Uncertain significance. Review status: criteria provided, multiple submitters, no conflicts (2 of 4 stars). 5 submissions from 5 submitters: Uncertain significance (5). Last evaluated 2026-01-15.

Conditions:
Cardiovascular phenotype. Identifiers: MedGen CN230736.
Catecholaminergic polymorphic ventricular tachycardia (CVPT). Also called: Catecholamine-induced polymorphic ventricular tachycardia. Identifiers: Orphanet 3286, MedGen C5574922, MONDO:0017990.
Cardiomyopathy (CMYO). Also called: Cardiomyopathies. Identifiers: Orphanet 167848, MedGen C0878544, MONDO:0004994, HP:0001638. Inheritance: Various modes of inheritance.
Catecholaminergic polymorphic ventricular tachycardia 1. Also called: VENTRICULAR TACHYCARDIA, STRESS-INDUCED POLYMORPHIC 1; VENTRICULAR TACHYCARDIA, CATECHOLAMINERGIC POLYMORPHIC, 1, WITH OR WITHOUT ATRIAL DYSFUNCTION AND/OR DILATED CARDIOMYOPATHY; RYR2-Related Catecholaminergic Polymorphic Ventricular Tachycardia. Identifiers: Orphanet 3286, MedGen C1631597, MONDO:0011484, OMIM 604772.

Allele frequency attached by ClinVar (database versions not stated): ExAC 0.00002; gnomAD exomes 0.00001 and 0.00002; TOPMed 0.00002; gnomAD 0.00001.

Submissions (5):

Labcorp Genetics (formerly Invitae), Labcorp
Classification: Uncertain significance for Catecholaminergic polymorphic ventricular tachycardia 1. Last evaluated: 2026-01-15. Review status: criteria provided, single submitter. Criteria: Invitae Variant Classification Sherloc (09022015). Collection method: clinical testing. Allele origin: germline.
Comment: This sequence change falls in intron 20 of the RYR2 gene. It does not directly change the encoded amino acid sequence of the RYR2 protein. It affects a nucleotide within the consensus splice site. This variant is present in population databases (rs746014106, gnomAD 0.003%). This variant has not been reported in the literature in individuals affected with RYR2-related conditions. ClinVar contains an entry for this variant (Variation ID: 180487). Variants that disrupt the consensus splice site are a relatively common cause of aberrant splicing (PMID: 17576681, 9536098). Algorithms developed to predict the effect of sequence changes on RNA splicing suggest that this variant may disrupt the consensus splice site. In summary, the available evidence is currently insufficient to determine the role of this variant in disease. Therefore, it has been classified as a Variant of Uncertain Significance.

Women's Health and Genetics/Laboratory Corporation of America, LabCorp
Classification: Uncertain significance. Last evaluated: 2024-11-04. Review status: criteria provided, single submitter. Criteria: LabCorp Variant Classification Summary - May 2015. Collection method: clinical testing. Allele origin: germline.

Color Diagnostics, LLC DBA Color Health
Classification: Uncertain significance for Cardiomyopathy. Last evaluated: 2024-06-25. Review status: criteria provided, single submitter. Criteria: ACMG Guidelines, 2015. Collection method: clinical testing. Allele origin: germline.
Comment: This variant causes a duplication of two nucleotides in intron 20 of the RYR2 gene. Splice site prediction tools predict that this variant may have a significant impact on RNA splicing. To our knowledge, RNA studies have not been reported for this variant. This variant has not been reported in individuals affected with cardiovascular disorders in the literature. This variant has been identified in 4/247100 chromosomes in the general population by the Genome Aggregation Database (gnomAD). The available evidence is insufficient to determine the role of this variant in disease conclusively. Therefore, this variant is classified as a Variant of Uncertain Significance.

All of Us Research Program, National Institutes of Health
Classification: Uncertain significance for Catecholaminergic polymorphic ventricular tachycardia. Last evaluated: 2024-05-10. Review status: criteria provided, single submitter. Criteria: ACMG Guidelines, 2015. Collection method: clinical testing. Allele origin: germline. Inheritance: Autosomal dominant inheritance. Observed: 3 variant alleles, 3 heterozygotes.
Comment: This study involves interpretation of variants in research participants for the purpose of population health screening. Participant phenotype was not available at the time of variant classification. Additional details can be found in publication PMID: 35346344, PMCID: PMC8962531

Ambry Genetics
Classification: Uncertain significance for Cardiovascular phenotype. Last evaluated: 2023-07-12. Review status: criteria provided, single submitter. Criteria: Ambry Variant Classification Scheme 2023. Collection method: clinical testing. Allele origin: germline.
Comment: The c.2203+3_2203+4dupAC intronic variant, results from a duplication of 2 nucleotides at nucleotide position 2203 after intron 20 of the RYR2 gene. This nucleotide positions are poorly conserved in available vertebrate species. In silico splice site analysis for this alteration is inconclusive. Since supporting evidence is limited at this time, the clinical significance of this alteration remains unclear.

Literature cited by the submitters: PubMed 17576681 (cited by Labcorp Genetics (formerly Invitae), Labcorp); PubMed 9536098 (cited by Labcorp Genetics (formerly Invitae), Labcorp).

NM_001035.3(RYR2):c.2203+3_2203+4dup

Gene: RYR2 (ryanodine receptor 2; plus strand). Cytogenetic location: 1q43.
Variant type: Duplication.
Coding change: c.2203+3_2203+4dup on transcript NM_001035.3 (MANE Select); bases 3 to 4 of the intron after coding-DNA position 2203, 2 bases duplicated (AC; older notation c.2203+3_2203+4dupAC).
Molecular consequence: intron variant.
Genome position (GRCh38, 1-based): chr1:237,496,755-237,496,756, AC duplicated. VCF-style (leftmost placement, unchanged base first): chr1-237496754-T-TAC. GRCh37 (hg19) VCF-style: chr1-237660054-T-TAC.
Other names: c.2203+3_2203+4dup (NM_001035.2, LRG_402t1); c.2203+3_2203+4dupAC (NM_001035.3).
Identifiers: ClinVar variation 180487 (VCV000180487.21), dbSNP rs730880376, ClinGen allele CA346609.